The following is an entry in ClinVar:

ClinVar aggregate classification (germline): Conflicting classifications of pathogenicity. Review status: criteria provided, conflicting classifications (1 of 4 stars). 2 submissions from 2 submitters: Uncertain significance (1); Likely benign (1). Last evaluated 2023-03-23.

Conditions:
Hereditary cancer-predisposing syndrome. Also called: Tumor predisposition; Hereditary neoplastic syndrome; Neoplastic Syndromes, Hereditary; Hereditary Cancer Syndrome. Identifiers: Orphanet 140162, MedGen C0027672, MeSH D009386, MONDO:0015356.
Hereditary breast ovarian cancer syndrome. Also called: Hereditary breast and ovarian cancer; Hereditary breast and/or ovarian cancer syndrome; Hereditary breast and ovarian cancer syndrome; Hereditary breast and ovarian cancer syndrome (HBOC); Breast and ovarian cancer; BRCA1- and BRCA2-Associated Hereditary Breast and Ovarian Cancer. Identifiers: Orphanet 145, MedGen C0677776, MeSH D061325, MONDO:0003582. Disease mechanism: loss of function.

Submissions (2):

University of Washington Department of Laboratory Medicine, University of Washington
Classification: Likely benign for Hereditary cancer-predisposing syndrome. Last evaluated: 2023-03-23. Review status: criteria provided, single submitter. Criteria: Dines et al. (Genet Med. 2020). Collection method: curation. Allele origin: germline.
Comment: Missense variant in a coldspot region where missense variants are very unlikely to be pathogenic (PMID:31911673).

BRCA1 coldspot (exon 11 using historical exon numbering). Reclassification based on statistical prior probability

Labcorp Genetics (formerly Invitae), Labcorp
Classification: Uncertain significance for Hereditary breast ovarian cancer syndrome. Last evaluated: 2021-12-27. Review status: criteria provided, single submitter. Criteria: Invitae Variant Classification Sherloc (09022015). Collection method: clinical testing. Allele origin: germline.
Comment: This variant has not been reported in the literature in individuals affected with BRCA1-related conditions. This variant is not present in population databases (gnomAD no frequency). This sequence change replaces lysine, which is basic and polar, with asparagine, which is neutral and polar, at codon 996 of the BRCA1 protein (p.Lys996Asn). Advanced modeling of protein sequence and biophysical properties (such as structural, functional, and spatial information, amino acid conservation, physicochemical variation, residue mobility, and thermodynamic stability) performed at Invitae indicates that this missense variant is not expected to disrupt BRCA1 protein function. In summary, the available evidence is currently insufficient to determine the role of this variant in disease. Therefore, it has been classified as a Variant of Uncertain Significance.

NM_007294.4(BRCA1):c.2988A>T (p.Lys996Asn)

Gene: BRCA1 (BRCA1 DNA repair associated; minus strand). Cytogenetic location: 17q21.31.
Variant type: single nucleotide variant.
Coding change: c.2988A>T on transcript NM_007294.4 (MANE Select); coding-DNA position 2988, A replaced by T.
Protein change: p.Lys996Asn; replaces lysine 996 with asparagine.
Molecular consequence: missense variant. On other transcripts: intron variant (137).
Genome position (GRCh38, 1-based): chr17:43,092,543, T>A on the plus strand (A>T on the coding strand, the complement: BRCA1 is on the minus strand). VCF-style: chr17-43092543-T-A. GRCh37 (hg19) VCF-style: chr17-41244560-T-A.
Other names: c.2847A>T, p.Lys949Asn (NM_001407737.1, NM_001407738.1, NM_001407739.1 and 29 more transcripts); c.2844A>T, p.Lys948Asn (NM_001407740.1, NM_001407741.1, NM_001407742.1 and 20 more transcripts); c.2775A>T, p.Lys925Asn (NM_001407571.1, NM_001407853.1, NM_001407894.1 and 9 more transcripts); c.2988A>T, p.Lys996Asn (NM_001407581.1, NM_001407582.1, NM_001407583.1 and 30 more transcripts); c.2985A>T, p.Lys995Asn (NM_001407587.1, NM_001407590.1, NM_001407591.1 and 22 more transcripts); c.2979A>T, p.Lys993Asn (NM_001407646.1, NM_001407647.1); c.2865A>T, p.Lys955Asn (NM_001407648.1, NM_001407664.1, NM_001407665.1 and 19 more transcripts); c.2862A>T, p.Lys954Asn (NM_001407649.1, NM_001407670.1, NM_001407671.1 and 11 more transcripts); and 41 more; short protein forms K868N, K869N, K884N, K885N, K928N, K970N, K993N, K828N.
Identifiers: ClinVar variation 2061699 (VCV002061699.6), dbSNP rs2154348785, ClinGen allele CA10596020.